The following is an entry in ClinVar:

ClinVar aggregate classification (germline): Uncertain significance (1 of 4 stars; one submission).

Allele frequency attached by ClinVar (database versions not stated): gnomAD exomes below 0.00001.
gnomAD v4.1: 2 of 1,611,098 alleles (0.00012%); highest among the groups gnomAD compares: Non-Finnish European, 0.00017%; no homozygotes.

Submission:

Ambry Genetics
Classification: Uncertain significance. Last evaluated: 2022-10-02. Review status: criteria provided, single submitter. Criteria: Ambry Variant Classification Scheme 2023. Collection method: clinical testing. Allele origin: germline.
Comment: The p.T1469S variant (also known as c.4405A>T), located in coding exon 16 of the POLQ gene, results from an A to T substitution at nucleotide position 4405. The threonine at codon 1469 is replaced by serine, an amino acid with similar properties. This amino acid position is conserved. In addition, this alteration is predicted to be tolerated by in silico analysis. Since supporting evidence is limited at this time, the clinical significance of this alteration remains unclear.

NM_199420.4(POLQ):c.4405A>T (p.Thr1469Ser)

Gene: POLQ (DNA polymerase theta; minus strand). Cytogenetic location: 3q13.33.
Variant type: single nucleotide variant.
Coding change: c.4405A>T on transcript NM_199420.4 (MANE Select); coding-DNA position 4405, A replaced by T.
Protein change: p.Thr1469Ser; replaces threonine 1469 with serine.
Molecular consequence: missense variant.
Genome position (GRCh38, 1-based): chr3:121,488,526, T>A on the plus strand (A>T on the coding strand, the complement: POLQ is on the minus strand). VCF-style: chr3-121488526-T-A. GRCh37 (hg19) VCF-style: chr3-121207373-T-A.
Other names: short protein forms T1469S.
Identifiers: ClinVar variation 1740355 (VCV001740355.2), dbSNP rs2546785934, ClinGen allele CA354095219.
Genomic context (GRCh38, chr3:121,488,526, plus strand): 5'-AACTATCACTCATATTCAAACTTGTTTCAGGAACTGGAAGACATTCTCCTTCTACACCAG[T>A]GGGAGTTCTCTTTTGAGGAATCAGAAGTATAACTGGTTTCACAGTTTCTTGTGTTTGATA-3'
Protein context (NP_955452.3, residues 1459-1479): ILLIPQKRTP[Thr1469Ser]GVEGECLPVP